The following is an entry in ClinVar:

ClinVar aggregate classification (germline): Likely benign (1 of 4 stars; one submission).

Submission:

CeGaT Center for Human Genetics Tuebingen
Classification: Likely benign. Last evaluated: 2022-05-01. Review status: criteria provided, single submitter. Criteria: CeGaT Center For Human Genetics Tuebingen Variant Classification Criteria Version 2. Collection method: clinical testing. Allele origin: germline. Affected: yes. Observed: 1 variant allele.
Comment: SBNO2: PM2:Supporting, BP4, BP7

NM_014963.3(SBNO2):c.1587C>G (p.Arg529=)

Gene: SBNO2 (strawberry notch homolog 2; minus strand). Cytogenetic location: 19p13.3.
Variant type: single nucleotide variant.
Coding change: c.1587C>G on transcript NM_014963.3 (MANE Select); coding-DNA position 1587, C replaced by G.
Protein change: p.Arg529=; no amino-acid change (arginine 529 retained).
Molecular consequence: synonymous variant.
Genome position (GRCh38, 1-based): chr19:1,117,440, G>C on the plus strand (C>G on the coding strand, the complement: SBNO2 is on the minus strand). VCF-style: chr19-1117440-G-C. GRCh37 (hg19) VCF-style: chr19-1117439-G-C.
Other names: c.1416C>G, p.Arg472= (NM_001100122.2).
Identifiers: ClinVar variation 2648903 (VCV002648903.24), dbSNP rs2512743421, ClinGen allele CA504697365.